The following is an entry in ClinVar:

NM_000059.4(BRCA2):c.3167A>G (p.Gln1056Arg)

Gene: BRCA2 (BRCA2 DNA repair associated; plus strand). Cytogenetic location: 13q13.1.
Variant type: single nucleotide variant.
Coding change: c.3167A>G on transcript NM_000059.4 (MANE Select); coding-DNA position 3167, A replaced by G.
Protein change: p.Gln1056Arg; replaces glutamine 1056 with arginine.
Molecular consequence: missense variant.
Genome position (GRCh38, 1-based): chr13:32,337,522, A>G. VCF-style: chr13-32337522-A-G. GRCh37 (hg19) VCF-style: chr13-32911659-A-G.
Other names: 3395A>G; short protein forms Q1056R.
Identifiers: ClinVar variation 96785 (VCV000096785.18), dbSNP rs431825301, ClinGen allele CA017412.
Genomic context (GRCh38, chr13:32,337,522, plus strand): 5'-AACAATATCCTACTAGTTTAGCTTGTGTTGAAATTGTAAATACCTTGGCATTAGATAATC[A>G]AAAGAAACTGAGCAAGCCTCAGTCAATTAATACTGTATCTGCACATTTACAGAGTAGTGT-3'
Protein context (NP_000050.3, residues 1046-1066): EIVNTLALDN[Gln1056Arg]KKLSKPQSIN

ClinVar aggregate classification (germline): Conflicting classifications of pathogenicity. Review status: criteria provided, conflicting classifications (1 of 4 stars). 7 submissions from 7 submitters: Uncertain significance (4); Benign (1); Likely benign (1). 1 of the submissions does not count toward it. Last evaluated 2025-08-13.

Conditions:
BRCA2-related cancer predisposition. Identifiers: MedGen CN377758, MONDO:0700269.
Hereditary cancer-predisposing syndrome. Also called: Hereditary Cancer Syndrome; Neoplastic Syndromes, Hereditary; Hereditary neoplastic syndrome; Tumor predisposition. Identifiers: Orphanet 140162, MedGen C0027672, MeSH D009386, MONDO:0015356.
Hereditary breast ovarian cancer syndrome. Also called: Breast and ovarian cancer; Hereditary breast and/or ovarian cancer syndrome; Hereditary breast and ovarian cancer; Hereditary breast and ovarian cancer syndrome; Hereditary breast and ovarian cancer syndrome (HBOC); BRCA1- and BRCA2-Associated Hereditary Breast and Ovarian Cancer. Identifiers: Orphanet 145, MedGen C0677776, MeSH D061325, MONDO:0003582. Disease mechanism: loss of function.
Breast-ovarian cancer, familial, susceptibility to, 2 (BROVCA2). Also called: BRCA2 Hereditary Breast and Ovarian Cancer. Identifiers: Orphanet 145, MedGen C2675520, MONDO:0012933, OMIM 612555. Disease mechanism: loss of function.

Allele frequency attached by ClinVar (database versions not stated): gnomAD exomes below 0.00001 and 0.00001; ExAC 0.00002; TOPMed 0.00002; gnomAD 0.00003 and 0.00004.
gnomAD v4.1: 10 of 1,608,164 alleles (0.00062%); highest among the groups gnomAD compares: African/African-American, 0.012%; no homozygotes.

Submissions (7):

Labcorp Genetics (formerly Invitae), Labcorp
Classification: Benign for Hereditary breast ovarian cancer syndrome. Last evaluated: 2025-08-13. Review status: criteria provided, single submitter. Criteria: Invitae Variant Classification Sherloc (09022015). Collection method: clinical testing. Allele origin: germline.

All of Us Research Program, National Institutes of Health
Classification: Uncertain significance for BRCA2-related cancer predisposition. Last evaluated: 2024-05-30. Review status: criteria provided, single submitter. Criteria: ACMG Guidelines, 2015. Collection method: clinical testing. Allele origin: germline. Inheritance: Autosomal dominant inheritance. Observed: 1 variant allele, 1 heterozygote.
Comment: This missense variant replaces glutamine with arginine at codon 1056 of the BRCA2 protein. Computational prediction suggests that this variant may not impact protein structure and function. To our knowledge, functional studies have not been reported for this variant. This variant has not been reported in individuals affected with BRCA2-related disorders in the literature. This variant has been identified in 3/278420 chromosomes in the general population by the Genome Aggregation Database (gnomAD). The available evidence is insufficient to determine the role of this variant in disease conclusively. Therefore, this variant is classified as a Variant of Uncertain Significance.

This study involves interpretation of variants in research participants for the purpose of population health screening. Participant phenotype was not available at the time of variant classification. Additional details can be found in publication PMID: 35346344, PMCID: PMC8962531

Ambry Genetics
Classification: Uncertain significance for Hereditary cancer-predisposing syndrome. Last evaluated: 2024-03-12. Review status: criteria provided, single submitter. Criteria: Ambry Variant Classification Scheme 2023. Collection method: clinical testing. Allele origin: germline.
Comment: The p.Q1056R variant (also known as c.3167A>G), located in coding exon 10 of the BRCA2 gene, results from an A to G substitution at nucleotide position 3167. The glutamine at codon 1056 is replaced by arginine, an amino acid with highly similar properties. This amino acid position is not well conserved in available vertebrate species. In addition, this alteration is predicted to be tolerated by in silico analysis. Since supporting evidence is limited at this time, the clinical significance of this alteration remains unclear.

University of Washington Department of Laboratory Medicine, University of Washington
Classification: Likely benign for Hereditary cancer-predisposing syndrome. Last evaluated: 2023-03-23. Review status: criteria provided, single submitter. Criteria: Dines et al. (Genet Med. 2020). Collection method: curation. Allele origin: germline.
Comment: Missense variant in a coldspot region where missense variants are very unlikely to be pathogenic (PMID:31911673).

BRCA2 exon 11 coldspot. Reclassification based on statistical prior probability.

Women's Health and Genetics/Laboratory Corporation of America, LabCorp
Classification: Uncertain significance. Last evaluated: 2018-08-27. Review status: criteria provided, single submitter. Criteria: LabCorp Variant Classification Summary - May 2015. Collection method: clinical testing. Allele origin: germline.
Comment: Variant summary: BRCA2 c.3167A>G (p.Gln1056Arg) results in a conservative amino acid change in the encoded protein sequence. Five of five in-silico tools predict a benign effect of the variant on protein function. The variant allele was found at a frequency of 7.3e-06 in 272980 control chromosomes. The available data on variant occurrences in the general population are insufficient to allow any conclusion about variant significance. To our knowledge, no occurrence of c.3167A>G in individuals affected with Hereditary Breast and Ovarian Cancer and no experimental evidence demonstrating its impact on protein function have been reported. Two clinical diagnostic laboratories have submitted clinical-significance assessments for this variant to ClinVar after 2014 and both classified the variant as uncertain significance. Based on the evidence outlined above, the variant was classified as uncertain significance.

GeneDx
Classification: Uncertain significance. Last evaluated: 2016-04-29. Review status: criteria provided, single submitter. Criteria: GeneDx Variant Classification (06012015). Collection method: clinical testing. Allele origin: germline. Affected: yes.
Comment: This variant is denoted BRCA2 c.3167A>G at the cDNA level, p.Gln1056Arg (Q1056R) at the protein level, and results in the change of a Glutamine to an Arginine (CAA>CGA). Using alternate nomenclature, this variant would be defined as BRCA2 3395A>G. This variant has not, to our knowledge, been published in the literature as pathogenic or benign. BRCA2 Gln1056Arg was not observed in approximately 6,500 individuals of European and African American ancestry in the NHLBI Exome Sequencing Project, suggesting it is not a common benign variant in these populations. Since Glutamine and Arginine differ in some properties, this is considered a semi-conservative amino acid substitution. BRCA2 Gln1056Arg occurs at a position that is not conserved and is located in the RAD51 binding domain (Roy 2012). In silico analyses predict that this variant is unlikely to alter protein structure or function. Based on currently available evidence, it is unclear whether BRCA2 Gln1056Arg is a pathogenic or benign variant. We consider it to be a variant of uncertain significance.

Sharing Clinical Reports Project (SCRP)
Classification: Uncertain significance for Breast-ovarian cancer, familial 2. Last evaluated: 2011-05-12. Review status: no assertion criteria provided. Collection method: clinical testing. Allele origin: germline. Not counted in ClinVar's aggregate classification.